The following is an entry in ClinVar:

NM_000465.4(BARD1):c.540T>C (p.Tyr180=)

Gene: BARD1 (BRCA1 associated RING domain 1; minus strand). Cytogenetic location: 2q35.
Variant type: single nucleotide variant.
Coding change: c.540T>C on transcript NM_000465.4 (MANE Select); coding-DNA position 540, T replaced by C.
Protein change: p.Tyr180=; no amino-acid change (tyrosine 180 retained).
Molecular consequence: synonymous variant. On other transcripts: non-coding transcript variant (2), intron variant (3).
Genome position (GRCh38, 1-based): chr2:214,781,334, A>G on the plus strand (T>C on the coding strand, the complement: BARD1 is on the minus strand). VCF-style: chr2-214781334-A-G. GRCh37 (hg19) VCF-style: chr2-215646058-A-G.
Other names: c.483T>C, p.Tyr161= (NM_001282543.2); c.158+28078T>C (NM_001282548.2); c.215+15727T>C (NM_001282545.2); c.364+10963T>C (NM_001282549.2).
Identifiers: ClinVar variation 1747374 (VCV001747374.5), dbSNP rs1299740017, ClinGen allele CA431135255.

ClinVar aggregate classification (germline): Benign/Likely benign. Review status: criteria provided, multiple submitters, no conflicts (2 of 4 stars). 3 submissions from 3 submitters: Benign (1); Likely benign (2). Last evaluated 2025-05-02.

Conditions:
Hereditary cancer-predisposing syndrome. Also called: Hereditary Cancer Syndrome; Neoplastic Syndromes, Hereditary; Tumor predisposition; Hereditary neoplastic syndrome. Identifiers: Orphanet 140162, MedGen C0027672, MeSH D009386, MONDO:0015356.
Familial cancer of breast. Also called: BREAST CANCER, FAMILIAL; Hereditary breast cancer; hereditary breast carcinoma. Identifiers: Orphanet 227535, MedGen C0346153, MONDO:0016419, OMIM 114480. Disease mechanism: loss of function.

Allele frequency attached by ClinVar (database versions not stated): gnomAD exomes below 0.00001; gnomAD 0.00001.
gnomAD v4.1: 3 of 1,613,342 alleles (0.00019%); highest among the groups gnomAD compares: African/African-American, 0.004%; no homozygotes.

Submissions (3):

Labcorp Genetics (formerly Invitae), Labcorp
Classification: Likely benign for Familial cancer of breast. Last evaluated: 2025-05-02. Review status: criteria provided, single submitter. Criteria: Invitae Variant Classification Sherloc (09022015). Collection method: clinical testing. Allele origin: germline.

Myriad Genetics, Inc.
Classification: Benign for Familial cancer of breast. Last evaluated: 2024-07-22. Review status: criteria provided, single submitter. Criteria: Myriad Autosomal Dominant, Autosomal Recessive and X-Linked Classification Criteria (2023). Collection method: clinical testing. Allele origin: unknown.
Comment: This variant is considered benign. This variant is a silent/synonymous amino acid change and it is not expected to impact splicing.

Ambry Genetics
Classification: Likely benign for Hereditary cancer-predisposing syndrome. Last evaluated: 2022-10-14. Review status: criteria provided, single submitter. Criteria: Ambry Variant Classification Scheme 2023. Collection method: clinical testing. Allele origin: germline.